The following is an entry in ClinVar:

NM_015692.5(CPAMD8):c.3803C>T (p.Thr1268Ile)

Gene: CPAMD8 (C3 and PZP like alpha-2-macroglobulin domain containing 8; minus strand). Cytogenetic location: 19p13.11.
Variant type: single nucleotide variant.
Coding change: c.3803C>T on transcript NM_015692.5 (MANE Select); coding-DNA position 3803, C replaced by T.
Protein change: p.Thr1268Ile; replaces threonine 1268 with isoleucine.
Molecular consequence: missense variant.
Genome position (GRCh38, 1-based): chr19:16,914,482, G>A on the plus strand (C>T on the coding strand, the complement: CPAMD8 is on the minus strand). VCF-style: chr19-16914482-G-A. GRCh37 (hg19) VCF-style: chr19-17025292-G-A.
Other names: short protein forms T1268I.
Identifiers: ClinVar variation 1280774 (VCV001280774.13), dbSNP rs706761, ClinGen allele CA9284838.

ClinVar aggregate classification (germline): Benign. Review status: criteria provided, multiple submitters, no conflicts (2 of 4 stars). 5 submissions from 5 submitters: Benign (4). 1 of the submissions does not count toward it. Last evaluated 2026-02-02.

Conditions:
CPAMD8-related disorder. Also called: CPAMD8-related condition.

Allele frequency attached by ClinVar (database versions not stated): gnomAD exomes 0.55523 and 0.55963; ExAC 0.56285; TOPMed 0.61734; gnomAD 0.62338 and 0.62823; ESP Exome Variant Server 0.63130; 1000 Genomes Project 0.64337; 1000 Genomes Project 30x 0.64350.
gnomAD v4.1: 912,532 of 1,613,072 alleles (57%); highest among the groups gnomAD compares: African/African-American, 81%; 262,399 homozygotes.

Submissions (5):

Labcorp Genetics (formerly Invitae), Labcorp
Classification: Benign. Last evaluated: 2026-02-02. Review status: criteria provided, single submitter. Criteria: Invitae Variant Classification Sherloc (09022015). Collection method: clinical testing. Allele origin: germline.

Blueprint Genetics
Classification: Benign. Last evaluated: 2024-11-28. Review status: criteria provided, single submitter. Criteria: ACMG Guidelines, 2015. Collection method: clinical testing. Allele origin: germline.

GeneDx
Classification: Benign. Last evaluated: 2021-05-04. Review status: criteria provided, single submitter. Criteria: GeneDx Variant Classification Process June 2021. Collection method: clinical testing. Allele origin: germline. Affected: yes.

Breakthrough Genomics
Classification: Benign. Review status: criteria provided, single submitter. Criteria: ACMG Guidelines, 2015. Collection method: not provided. Allele origin: germline. Inheritance: Autosomal recessive inheritance. Affected: yes.

PreventionGenetics, part of Exact Sciences
Classification: Benign for CPAMD8-related condition. Last evaluated: 2019-03-05. Review status: no assertion criteria provided. Collection method: clinical testing. Allele origin: germline. Not counted in ClinVar's aggregate classification.
Comment: This variant is classified as benign based on ACMG/AMP sequence variant interpretation guidelines (Richards et al. 2015 PMID: 25741868, with internal and published modifications).